The following is an entry in ClinVar:

ClinVar aggregate classification (germline): Uncertain significance. Review status: criteria provided, multiple submitters, no conflicts (2 of 4 stars). 4 submissions from 4 submitters: Uncertain significance (3). 1 of the submissions does not count toward it. Last evaluated 2023-11-01.

Conditions:
ERBB4-related disorder. Also called: ERBB4-related condition.
Inborn genetic diseases. Identifiers: MedGen C0950123, MeSH D030342.

Allele frequency attached by ClinVar (database versions not stated): ExAC 0.00001; TOPMed 0.00001; gnomAD 0.00002; gnomAD exomes 0.00002 and 0.00003.
gnomAD v4.1: 32 of 1,611,860 alleles (0.002%); highest among the groups gnomAD compares: Admixed American, 0.0033%; no homozygotes.

Submissions (4):

Ambry Genetics
Classification: Uncertain significance for Inborn genetic diseases. Last evaluated: 2023-11-01. Review status: criteria provided, single submitter. Criteria: Ambry Variant Classification Scheme 2023. Collection method: clinical testing. Allele origin: germline.

Labcorp Genetics (formerly Invitae), Labcorp
Classification: Uncertain significance. Last evaluated: 2022-08-09. Review status: criteria provided, single submitter. Criteria: Invitae Variant Classification Sherloc (09022015). Collection method: clinical testing. Allele origin: germline.
Comment: This sequence change replaces arginine, which is basic and polar, with glutamine, which is neutral and polar, at codon 393 of the ERBB4 protein (p.Arg393Gln). This variant is present in population databases (rs746784831, gnomAD 0.007%). This variant has not been reported in the literature in individuals affected with ERBB4-related conditions. ClinVar contains an entry for this variant (Variation ID: 1449200). Algorithms developed to predict the effect of missense changes on protein structure and function (SIFT, PolyPhen-2, Align-GVGD) all suggest that this variant is likely to be tolerated. Algorithms developed to predict the effect of sequence changes on RNA splicing suggest that this variant may create or strengthen a splice site. In summary, the available evidence is currently insufficient to determine the role of this variant in disease. Therefore, it has been classified as a Variant of Uncertain Significance.

Breakthrough Genomics
Classification: Uncertain significance. Review status: criteria provided, single submitter. Criteria: ACMG Guidelines, 2015. Collection method: not provided. Allele origin: germline. Inheritance: Autosomal dominant inheritance. Affected: yes.

PreventionGenetics, part of Exact Sciences
Classification: Uncertain significance for ERBB4-related condition. Last evaluated: 2024-03-26. Review status: no assertion criteria provided. Collection method: clinical testing. Allele origin: germline. Not counted in ClinVar's aggregate classification.
Comment: The ERBB4 c.1178G>A variant is predicted to result in the amino acid substitution p.Arg393Gln. To our knowledge, this variant has not been reported in the literature. This variant is reported in 0.0062% of alleles in individuals of African descent in gnomAD. At this time, the clinical significance of this variant is uncertain due to the absence of conclusive functional and genetic evidence.

NM_005235.3(ERBB4):c.1178G>A (p.Arg393Gln)

Gene: ERBB4 (erb-b2 receptor tyrosine kinase 4; minus strand). Cytogenetic location: 2q34.
Variant type: single nucleotide variant.
Coding change: c.1178G>A on transcript NM_005235.3 (MANE Select); coding-DNA position 1178, G replaced by A.
Protein change: p.Arg393Gln; replaces arginine 393 with glutamine.
Molecular consequence: missense variant.
Genome position (GRCh38, 1-based): chr2:211,705,338, C>T on the plus strand (G>A on the coding strand, the complement: ERBB4 is on the minus strand). VCF-style: chr2-211705338-C-T. GRCh37 (hg19) VCF-style: chr2-212570063-C-T.
Other names: c.1178G>A, p.Arg393Gln (NM_001042599.2); short protein forms R393Q.
Identifiers: ClinVar variation 1449200 (VCV001449200.9), dbSNP rs746784831, ClinGen allele CA2088207.